The following is an entry in ClinVar:

ClinVar aggregate classification (germline): Conflicting classifications of pathogenicity. Review status: criteria provided, conflicting classifications (1 of 4 stars). 4 submissions from 4 submitters: Uncertain significance (2); Likely benign (1). 1 of the submissions does not count toward it. Last evaluated 2025-12-21.

Conditions:
Hereditary cancer-predisposing syndrome. Also called: Tumor predisposition; Neoplastic Syndromes, Hereditary; Hereditary Cancer Syndrome; Hereditary neoplastic syndrome. Identifiers: Orphanet 140162, MedGen C0027672, MeSH D009386, MONDO:0015356.
Hereditary breast ovarian cancer syndrome. Also called: BRCA1- and BRCA2-Associated Hereditary Breast and Ovarian Cancer; Hereditary breast and ovarian cancer syndrome (HBOC); Hereditary breast and/or ovarian cancer syndrome; Hereditary breast and ovarian cancer syndrome; Hereditary breast and ovarian cancer; Breast and ovarian cancer. Identifiers: Orphanet 145, MedGen C0677776, MeSH D061325, MONDO:0003582. Disease mechanism: loss of function.
Breast-ovarian cancer, familial, susceptibility to, 2 (BROVCA2). Also called: BRCA2 Hereditary Breast and Ovarian Cancer. Identifiers: Orphanet 145, MedGen C2675520, MONDO:0012933, OMIM 612555. Disease mechanism: loss of function.

Submissions (4):

Ambry Genetics
Classification: Uncertain significance for Hereditary cancer-predisposing syndrome. Last evaluated: 2025-12-21. Review status: criteria provided, single submitter. Criteria: Ambry Variant Classification Scheme 2023. Collection method: clinical testing. Allele origin: germline.
Comment: The p.L400P variant (also known as c.1199T>C), located in coding exon 9 of the BRCA2 gene, results from a T to C substitution at nucleotide position 1199. The leucine at codon 400 is replaced by proline, an amino acid with similar properties. This variant was not reported in population based cohorts in the following databases: Database of Single Nucleotide Polymorphisms (dbSNP), NHLBI Exome Sequencing Project (ESP), and 1000 Genomes Project. In the ESP, this variant was not observed in 6488 samples (12976 alleles) with coverage at this position. To date, this alteration has been detected with an allele frequency of approximately 0.0007% (greater than 300000 alleles tested) in our clinical cohort. This amino acid position is not well conserved in available vertebrate species. In addition, this alteration is predicted to be tolerated by in silico analysis. Since supporting evidence is limited at this time, the clinical significance of this alteration remains unclear.

Labcorp Genetics (formerly Invitae), Labcorp
Classification: Uncertain significance for Hereditary breast ovarian cancer syndrome. Last evaluated: 2024-02-08. Review status: criteria provided, single submitter. Criteria: Invitae Variant Classification Sherloc (09022015). Collection method: clinical testing. Allele origin: germline.
Comment: This sequence change replaces leucine, which is neutral and non-polar, with proline, which is neutral and non-polar, at codon 400 of the BRCA2 protein (p.Leu400Pro). This variant is not present in population databases (gnomAD no frequency). This variant has not been reported in the literature in individuals affected with BRCA2-related conditions. ClinVar contains an entry for this variant (Variation ID: 37729). Advanced modeling of protein sequence and biophysical properties (such as structural, functional, and spatial information, amino acid conservation, physicochemical variation, residue mobility, and thermodynamic stability) performed at Invitae indicates that this missense variant is not expected to disrupt BRCA2 protein function with a negative predictive value of 95%. In summary, the available evidence is currently insufficient to determine the role of this variant in disease. Therefore, it has been classified as a Variant of Uncertain Significance.

University of Washington Department of Laboratory Medicine, University of Washington
Classification: Likely benign for Hereditary cancer-predisposing syndrome. Last evaluated: 2023-03-23. Review status: criteria provided, single submitter. Criteria: Dines et al. (Genet Med. 2020). Collection method: curation. Allele origin: germline.
Comment: Missense variant in a coldspot region where missense variants are very unlikely to be pathogenic (PMID:31911673).

BRCA2 exon 10 coldspot. Reclassification based on statistical prior probability.

Sharing Clinical Reports Project (SCRP)
Classification: Uncertain significance for Breast-ovarian cancer, familial 2. Last evaluated: 2007-03-09. Review status: no assertion criteria provided. Collection method: clinical testing. Allele origin: germline. Not counted in ClinVar's aggregate classification.

NM_000059.4(BRCA2):c.1199T>C (p.Leu400Pro)

Gene: BRCA2 (BRCA2 DNA repair associated; plus strand). Cytogenetic location: 13q13.1.
Variant type: single nucleotide variant.
Coding change: c.1199T>C on transcript NM_000059.4 (MANE Select); coding-DNA position 1199, T replaced by C.
Protein change: p.Leu400Pro; replaces leucine 400 with proline.
Molecular consequence: missense variant.
Genome position (GRCh38, 1-based): chr13:32,332,677, T>C. VCF-style: chr13-32332677-T-C. GRCh37 (hg19) VCF-style: chr13-32906814-T-C.
Other names: short protein forms L400P.
Identifiers: ClinVar variation 37729 (VCV000037729.16), dbSNP rs397507264, ClinGen allele CA011124.